The following is an entry in ClinVar:

NM_015972.4(POLR1D):c.34T>C (p.Ser12Pro)

Genes: POLR1D (RNA polymerase I and III subunit D; plus strand), LOC147380392 (uncharacterized LOC147380392; plus strand). Cytogenetic location: 13q12.2.
Variant type: single nucleotide variant.
Coding change: c.34T>C on transcript NM_015972.4 (MANE Select); coding-DNA position 34, T replaced by C.
Protein change: p.Ser12Pro; replaces serine 12 with proline.
Molecular consequence: missense variant. On other transcripts: intron variant (2).
Genome position (GRCh38, 1-based): chr13:27,622,882, T>C. VCF-style: chr13-27622882-T-C. GRCh37 (hg19) VCF-style: chr13-28197019-T-C.
Other names: c.34T>C, p.Ser12Pro (NM_001374407.1); c.-59+1742T>C (NM_001206559.2); c.26+873T>C (NM_152705.3); c.34T>C (NM_015972.3); short protein forms S12P.
Identifiers: ClinVar variation 3710768 (VCV003710768.3).
Genomic context (GRCh38, chr13:27,622,882, plus strand): 5'-GTTACAAAACAATATTCAGTATGATCTCATTTTTATAAAAAATATGTGTGTAGAAAAATA[T>C]CTGGATTGAAGACCTCAATGGCTGAAGGCGAGAGGAAGACAGCCCTGGAAATGGTCCAGG-3'
Protein context (NP_057056.1, residues 2-22): EEDQELERKI[Ser12Pro]GLKTSMAEGE

ClinVar aggregate classification (germline): Uncertain significance. Review status: criteria provided, multiple submitters, no conflicts (2 of 4 stars). 2 submissions from 2 submitters: Uncertain significance (2). Last evaluated 2025-08-08.

Conditions:
Inborn genetic diseases. Identifiers: MedGen C0950123, MeSH D030342.

gnomAD v4.1: 18 of 1,603,336 alleles (0.0011%); highest among the groups gnomAD compares: Admixed American, 0.0033%; no homozygotes.

Submissions (2):

Ambry Genetics
Classification: Uncertain significance for Inborn genetic diseases. Last evaluated: 2025-08-08. Review status: criteria provided, single submitter. Criteria: Ambry Variant Classification Scheme 2023. Collection method: clinical testing. Allele origin: germline.

Labcorp Genetics (formerly Invitae), Labcorp
Classification: Uncertain significance. Last evaluated: 2025-07-14. Review status: criteria provided, single submitter. Criteria: Invitae Variant Classification Sherloc (09022015). Collection method: clinical testing. Allele origin: germline.
Comment: This sequence change replaces serine, which is neutral and polar, with proline, which is neutral and non-polar, at codon 12 of the POLR1D protein (p.Ser12Pro). This variant is present in population databases (no rsID available, gnomAD 0.003%). This variant has not been reported in the literature in individuals affected with POLR1D-related conditions. ClinVar contains an entry for this variant (Variation ID: 3710768). An algorithm developed to predict the effect of missense changes on protein structure and function (PolyPhen-2) suggests that this variant is likely to be tolerated. In summary, the available evidence is currently insufficient to determine the role of this variant in disease. Therefore, it has been classified as a Variant of Uncertain Significance.